The following is an entry in ClinVar:

ClinVar aggregate classification (germline): Pathogenic/Likely pathogenic. Review status: criteria provided, multiple submitters, no conflicts (2 of 4 stars). 3 submissions from 3 submitters: Pathogenic (1); Likely pathogenic (2). Last evaluated 2025-04-10.

Conditions:
Congenital hyperammonemia, type I. Also called: Carbamoyl phosphate synthetase I deficiency disease; Carbamoyl-phosphate synthase I deficiency; CPS I DEFICIENCY; Carbamoyl phosphate synthetase 1 deficiency; Hyperammonemia due to carbamoyl phosphate synthetase 1 deficiency; CPS 1 deficiency. Identifiers: Orphanet 147, MedGen C4082171, MONDO:0009376, OMIM 237300.

gnomAD v4.1: 1 of 1,613,330 alleles (0.000062%); highest among the groups gnomAD compares: African/African-American, 0.0013%; no homozygotes.

Submissions (3):

Variantyx, Inc.
Classification: Likely pathogenic for Congenital hyperammonemia, type I. Last evaluated: 2025-04-10. Review status: criteria provided, single submitter. Criteria: Variantyx Assertion Criteria 2022. Collection method: clinical testing. Allele origin: germline. Inheritance: Autosomal recessive inheritance. Affected: yes.
Comment: This is a nonsense variant in the CPS1 gene (OMIM: 608307). Pathogenic variants in this gene have been associated with autosomal recessive carbamoylphosphate synthetase I deficiency. This variant introduces a premature termination codon in exon 28 out of 38 and is expected to result in loss of function, which is a known disease mechanism for CPS1 in this disorder (PMID:8486760;17310273) (PVS1). This variant has a 0.0013% maximum allele frequency in non-founder control populations (PM2). Based on the current evidence, this variant is classified as likely pathogenic for autosomal recessive carbamoylphosphate synthetase I deficiency.

Labcorp Genetics (formerly Invitae), Labcorp
Classification: Pathogenic for Congenital hyperammonemia, type I. Last evaluated: 2023-05-20. Review status: criteria provided, single submitter. Criteria: Invitae Variant Classification Sherloc (09022015). Collection method: clinical testing. Allele origin: germline.
Comment: This sequence change creates a premature translational stop signal (p.Glu1153*) in the CPS1 gene. It is expected to result in an absent or disrupted protein product. Loss-of-function variants in CPS1 are known to be pathogenic (PMID: 21120950). This variant is not present in population databases (gnomAD no frequency). This variant has not been reported in the literature in individuals affected with CPS1-related conditions. ClinVar contains an entry for this variant (Variation ID: 983914). For these reasons, this variant has been classified as Pathogenic.

Myriad Genetics, Inc.
Classification: Likely pathogenic for Congenital hyperammonemia, type I. Last evaluated: 2019-02-11. Review status: criteria provided, single submitter. Criteria: Myriad Women's Health Autosomal Recessive and X-Linked Classification Criteria (2019). Collection method: clinical testing. Allele origin: unknown.
Comment: NM_001875.4(CPS1):c.3457G>T(E1153*) is expected to be pathogenic in the context of carbamoylphosphate synthetase I deficiency. This variant is predicted to lead to an abnormal or absent protein product due to the creation of a premature termination codon in CPS1, a gene where loss-of-function variants are known to be pathogenic. Please note: this variant was assessed in the context of healthy population screening.

Literature cited by the submitters: PubMed 8486760 (cited by Variantyx, Inc.); PubMed 17310273 (cited by Variantyx, Inc.); PubMed 21120950 (cited by Labcorp Genetics (formerly Invitae), Labcorp).

NM_001875.5(CPS1):c.3457G>T (p.Glu1153Ter)

Gene: CPS1 (carbamoyl-phosphate synthase 1; plus strand). Cytogenetic location: 2q34.
Variant type: single nucleotide variant.
Coding change: c.3457G>T on transcript NM_001875.5 (MANE Select); coding-DNA position 3457, G replaced by T.
Protein change: p.Glu1153Ter; replaces glutamic acid 1153 with a stop codon.
Molecular consequence: nonsense. On other transcripts: non-coding transcript variant (2).
Genome position (GRCh38, 1-based): chr2:210,650,415, G>T. VCF-style: chr2-210650415-G-T. GRCh37 (hg19) VCF-style: chr2-211515139-G-T.
Other names: c.3457G>T, p.Glu1153Ter (NM_001122633.3, NM_001369257.1); c.3490G>T, p.Glu1164Ter (NM_001369256.1); short protein forms E1153*, E1164*.
Identifiers: ClinVar variation 983914 (VCV000983914.7), dbSNP rs1700523651, ClinGen allele CA350437025.